The following is an entry in ClinVar:

ClinVar aggregate classification (germline): Uncertain significance (1 of 4 stars; one submission).

Submission:

GeneDx
Classification: Uncertain significance. Last evaluated: 2024-02-08. Review status: criteria provided, single submitter. Criteria: GeneDx Variant Classification Process June 2021. Collection method: clinical testing. Allele origin: germline. Affected: yes.
Comment: Not observed at significant frequency in large population cohorts (gnomAD); In silico analysis supports that this missense variant has a deleterious effect on protein structure/function; Has not been previously published as pathogenic or benign to our knowledge

NM_001385012.1(NBEA):c.1919T>C (p.Val640Ala)

Gene: NBEA (neurobeachin; plus strand). Cytogenetic location: 13q13.3.
Variant type: single nucleotide variant.
Coding change: c.1919T>C on transcript NM_001385012.1 (MANE Select); coding-DNA position 1919, T replaced by C.
Protein change: p.Val640Ala; replaces valine 640 with alanine.
Molecular consequence: missense variant.
Genome position (GRCh38, 1-based): chr13:35,110,895, T>C. VCF-style: chr13-35110895-T-C. GRCh37 (hg19) VCF-style: chr13-35685032-T-C.
Other names: c.1919T>C, p.Val640Ala (NM_001379245.1, NM_015678.5); short protein forms V640A.
Identifiers: ClinVar variation 3369087 (VCV003369087.1).
Genomic context (GRCh38, chr13:35,110,895, plus strand): 5'-TGTCTGCTGAATTTATTGGAACTGCTACCATCTACACCACCATACGCAGAGTAGGAACAG[T>C]ATTACAGCTAATGCACACCTTAAAATATTACTACTGGGTTATTAATCCTGCTGACAGTAG-3'
Protein context (NP_001371941.1, residues 630-650): IYTTIRRVGT[Val640Ala]LQLMHTLKYY